The following is an entry in ClinVar:

ClinVar aggregate classification (germline): Uncertain significance (1 of 4 stars; one submission).

Conditions:
Myopathy, proximal, and ophthalmoplegia (CMYO6). Also called: MYOPATHY WITH CONGENITAL JOINT CONTRACTURES, OPHTHALMOPLEGIA, AND RIMMED VACUOLES; INCLUSION BODY MYOPATHY 3, AUTOSOMAL DOMINANT; CONGENITAL MYOPATHY 6 WITH OPHTHALMOPLEGIA. Identifiers: Orphanet 363677, Orphanet 79091, MedGen C1854106, MONDO:0011577, OMIM 605637.

Submission:

Labcorp Genetics (formerly Invitae), Labcorp
Classification: Uncertain significance for Myopathy, proximal, and ophthalmoplegia. Last evaluated: 2024-08-12. Review status: criteria provided, single submitter. Criteria: Invitae Variant Classification Sherloc (09022015). Collection method: clinical testing. Allele origin: germline.
Comment: This sequence change replaces alanine, which is neutral and non-polar, with proline, which is neutral and non-polar, at codon 1555 of the MYH2 protein (p.Ala1555Pro). This variant is present in population databases (rs777300577, gnomAD 0.003%). This variant has not been reported in the literature in individuals affected with MYH2-related conditions. An algorithm developed to predict the effect of missense changes on protein structure and function (PolyPhen-2) suggests that this variant is likely to be disruptive. Algorithms developed to predict the effect of sequence changes on RNA splicing suggest that this variant may disrupt the consensus splice site. In summary, the available evidence is currently insufficient to determine the role of this variant in disease. Therefore, it has been classified as a Variant of Uncertain Significance.

NM_017534.6(MYH2):c.4663G>C (p.Ala1555Pro)

Genes: MYHAS (myosin heavy chain gene cluster antisense RNA; plus strand), MYH2 (myosin heavy chain 2; minus strand), LOC126862500 (BRD4-independent group 4 enhancer GRCh37_chr17:10427829-10429028; plus strand). Cytogenetic location: 17p13.1.
Variant type: single nucleotide variant.
Coding change: c.4663G>C on transcript NM_017534.6 (MANE Select); coding-DNA position 4663, G replaced by C.
Protein change: p.Ala1555Pro; replaces alanine 1555 with proline.
Molecular consequence: missense variant.
Genome position (GRCh38, 1-based): chr17:10,525,065, C>G on the plus strand (G>C on the coding strand, the complement: MYH2 is on the minus strand). VCF-style: chr17-10525065-C-G. GRCh37 (hg19) VCF-style: chr17-10428382-C-G.
Other names: c.4663G>C, p.Ala1555Pro (NM_001100112.2); short protein forms A1555P.
Identifiers: ClinVar variation 3633765 (VCV003633765.2).
Genomic context (GRCh38, chr17:10,525,065, plus strand): 5'-TGACTTGGTTCAACTCAAGCTGGATGCGCAGGATCTTTCCCTCTTCATGTTCAAGAGATG[C>G]CTTAATGACAGCAAGAGGTGACATTAGCAAGGAACCAAAAGCTTTATGAAGTTTTTCTGC-3'
Protein context (NP_060004.3, residues 1545-1565): ELQAALEEAE[Ala1555Pro]SLEHEEGKIL